The following is an entry in ClinVar:

ClinVar aggregate classification (germline): Uncertain significance (1 of 4 stars; one submission).

gnomAD v4.1: 2 of 1,613,530 alleles (0.00012%); highest among the groups gnomAD compares: Non-Finnish European, 0.00017%; no homozygotes.

Submission:

GeneDx
Classification: Uncertain significance. Last evaluated: 2020-10-26. Review status: criteria provided, single submitter. Criteria: GeneDx Variant Classification Process June 2021. Collection method: clinical testing. Allele origin: germline. Affected: yes.
Comment: Not observed in large population cohorts (Lek et al., 2016); In silico analysis supports that this missense variant has a deleterious effect on protein structure/function; Has not been previously published as pathogenic or benign to our knowledge

NM_001104631.2(PDE4D):c.524G>C (p.Gly175Ala)

Gene: PDE4D (phosphodiesterase 4D; minus strand). Cytogenetic location: 5q11.2.
Variant type: single nucleotide variant.
Coding change: c.524G>C on transcript NM_001104631.2 (MANE Select); coding-DNA position 524, G replaced by C.
Protein change: p.Gly175Ala; replaces glycine 175 with alanine.
Molecular consequence: missense variant. On other transcripts: 5 prime UTR variant (3).
Genome position (GRCh38, 1-based): chr5:59,215,900, C>G on the plus strand (G>C on the coding strand, the complement: PDE4D is on the minus strand). VCF-style: chr5-59215900-C-G. GRCh37 (hg19) VCF-style: chr5-58511726-C-G.
Other names: c.341G>C, p.Gly114Ala (NM_001165899.2, NM_001364599.1, NM_001364600.2); c.332G>C, p.Gly111Ala (NM_001197218.2, NM_001364601.1, NM_001364602.2); c.158G>C, p.Gly53Ala (NM_001197219.2); c.134G>C, p.Gly45Ala (NM_001197220.2); c.311G>C, p.Gly104Ala (NM_001349241.2); c.194G>C, p.Gly65Ala (NM_001349242.2); c.-171G>C (NM_001349243.2, NM_001364604.1); c.-427G>C (NM_001364603.1); and 1 more; short protein forms G104A, G111A, G114A, G175A, G39A, G45A, G53A, G65A.
Identifiers: ClinVar variation 1313558 (VCV001313558.2), dbSNP rs2153506187, ClinGen allele CA359930985.